The following is an entry in ClinVar:

NM_020719.3(PRR12):c.5853C>T (p.Ser1951=)

Gene: PRR12 (proline rich 12; plus strand). Cytogenetic location: 19q13.33.
Variant type: single nucleotide variant.
Coding change: c.5853C>T on transcript NM_020719.3 (MANE Select); coding-DNA position 5853, C replaced by T.
Protein change: p.Ser1951=; no amino-acid change (serine 1951 retained).
Molecular consequence: synonymous variant.
Genome position (GRCh38, 1-based): chr19:49,624,975, C>T. VCF-style: chr19-49624975-C-T. GRCh37 (hg19) VCF-style: chr19-50128232-C-T.
Identifiers: ClinVar variation 3042555 (VCV003042555.2), dbSNP rs370111226, ClinGen allele CA9578802.
Genomic context (GRCh38, chr19:49,624,975, plus strand): 5'-GCGGCTGCGGCCTGCTGGGGAACCCTACAACCGCAAGACGCTCAGCAAGCTCAAGAGGAG[C>T]GTGGTCAGAGCCCAGGTGGGCACTGGGGCTGGGGCTGGGAGTGGGGAGTGCTGGCGGTAT-3'
Protein context (NP_065770.1, residues 1941-1961): NRKTLSKLKR[Ser1951=]VVRAQEFKVE

ClinVar aggregate classification (germline): Likely benign (0 of 4 stars; one submission).

Conditions:
PRR12-related disorder. Also called: PRR12-related condition.

Allele frequency attached by ClinVar (database versions not stated): ExAC 0.00003; gnomAD 0.00009; TOPMed 0.00011; ESP Exome Variant Server 0.00025.
gnomAD v4.1: 37 of 1,597,442 alleles (0.0023%); highest among the groups gnomAD compares: African/African-American, 0.036%; no homozygotes.

Submission:

PreventionGenetics, part of Exact Sciences
Classification: Likely benign for PRR12-related condition. Last evaluated: 2019-06-27. Review status: no assertion criteria provided. Collection method: clinical testing. Allele origin: germline.
Comment: This variant is classified as likely benign based on ACMG/AMP sequence variant interpretation guidelines (Richards et al. 2015 PMID: 25741868, with internal and published modifications).